The following is an entry in ClinVar:

NM_019032.6(ADAMTSL4):c.2054G>A (p.Trp685Ter)

Genes: ADAMTSL4 (ADAMTS like 4; plus strand), ADAMTSL4-AS2 (ADAMTSL4 antisense RNA 2; minus strand). Cytogenetic location: 1q21.2.
Variant type: single nucleotide variant.
Coding change: c.2054G>A on transcript NM_019032.6 (MANE Select); coding-DNA position 2054, G replaced by A.
Protein change: p.Trp685Ter; replaces tryptophan 685 with a stop codon.
Molecular consequence: nonsense.
Genome position (GRCh38, 1-based): chr1:150,557,500, G>A. VCF-style: chr1-150557500-G-A. GRCh37 (hg19) VCF-style: chr1-150529976-G-A.
Other names: c.1937G>A, p.Trp646Ter (NM_001288607.2); c.2123G>A, p.Trp708Ter (NM_001288608.2); c.2054G>A, p.Trp685Ter (NM_001378596.1, NM_025008.5); short protein forms W646*, W708*, W685*.
Identifiers: ClinVar variation 2044400 (VCV002044400.4), dbSNP rs771036273, ClinGen allele CA1078518.
Genomic context (GRCh38, chr1:150,557,500, plus strand): 5'-ACTGAGCTTGGGCTCTAGCCTCCTGCCTCCCTGGCTGCCTTCTCACCCACTCAGGTGTCT[G>A]GCGCCCCATTTTCCTCTGCATCTCCCGTGAGTCGGGAGAGGAACTGGATGAACGCAGCTG-3'

ClinVar aggregate classification (germline): Pathogenic (1 of 4 stars; one submission).

Allele frequency attached by ClinVar (database versions not stated): ExAC 0.00001.

Submission:

Labcorp Genetics (formerly Invitae), Labcorp
Classification: Pathogenic. Last evaluated: 2021-12-16. Review status: criteria provided, single submitter. Criteria: Invitae Variant Classification Sherloc (09022015). Collection method: clinical testing. Allele origin: germline.
Comment: This sequence change creates a premature translational stop signal (p.Trp685*) in the ADAMTSL4 gene. It is expected to result in an absent or disrupted protein product. Loss-of-function variants in ADAMTSL4 are known to be pathogenic (PMID: 20564469, 28642162). This variant is present in population databases (rs771036273, gnomAD 0.0009%). This variant has not been reported in the literature in individuals affected with ADAMTSL4-related conditions. For these reasons, this variant has been classified as Pathogenic.

Literature cited by the submitters: PubMed 20564469; PubMed 28642162.